The following is an entry in ClinVar:

NM_000516.7(GNAS):c.1057G>A (p.Gly353Arg)

Gene: GNAS (GNAS complex locus; plus strand). Cytogenetic location: 20q13.32.
Variant type: single nucleotide variant.
Coding change: c.1057G>A on transcript NM_000516.7 (MANE Select); coding-DNA position 1057, G replaced by A.
Protein change: p.Gly353Arg; replaces glycine 353 with arginine.
Molecular consequence: missense variant. On other transcripts: 3 prime UTR variant (2).
Genome position (GRCh38, 1-based): chr20:58,910,701, G>A. VCF-style: chr20-58910701-G-A. GRCh37 (hg19) VCF-style: chr20-57485756-G-A.
Other names: c.1060G>A, p.Gly354Arg (NM_001077488.5); c.1012G>A, p.Gly338Arg (NM_001077489.4); c.*918G>A (NM_001077490.3); c.880G>A, p.Gly294Arg (NM_001309840.2, NM_001309861.2); c.*963G>A (NM_016592.5); c.2986G>A, p.Gly996Arg (NM_080425.4); c.1015G>A, p.Gly339Arg (NM_080426.4); short protein forms G353R, G294R, G338R, G339R, G354R, G996R.
Identifiers: ClinVar variation 1065893 (VCV001065893.2), dbSNP rs2146305127, ClinGen allele CA409453718.

ClinVar aggregate classification (germline): Pathogenic/Likely pathogenic. Review status: criteria provided, multiple submitters, no conflicts (2 of 4 stars). 2 submissions from 2 submitters: Pathogenic (1); Likely pathogenic (1). Last evaluated 2024-07-19.

Conditions:
Pseudopseudohypoparathyroidism (PPHP). Also called: ALBRIGHT HEREDITARY OSTEODYSTROPHY WITHOUT MULTIPLE HORMONE RESISTANCE; Pseudopseudohypoparathyroidism (PPHP). Identifiers: Orphanet 79445, MedGen C0033835, MONDO:0012912, OMIM 612463.
Pseudohypoparathyroidism type I A (PHP1A). Also called: Pseudohypoparathyroidism Type IA; PHP IA; Pseudohypoparathyroidism type 1A; Pseudohypoparathyroidism Ia (PHP-Ia); ALBRIGHT HEREDITARY OSTEODYSTROPHY WITH MULTIPLE HORMONE RESISTANCE. Identifiers: Orphanet 79443, MedGen C3494506, MONDO:0007078, OMIM 103580.

Submissions (2):

3billion
Classification: Likely pathogenic for Pseudopseudohypoparathyroidism. Last evaluated: 2024-07-19. Review status: criteria provided, single submitter. Criteria: ACMG Guidelines, 2015. Collection method: clinical testing. Allele origin: germline. Affected: yes.
Comment: The variant is not observed in the gnomAD v4.0.0 dataset. Predicted Consequence/Location: Missense variant Functional studies provide moderate evidence of the variant having a damaging effect on the gene or gene product (PMID: 34614324). In silico tool predictions suggest damaging effect of the variant on gene or gene product [REVEL: 0.86 (>=0.6, sensitivity 0.68 and specificity 0.92); 3Cnet: 0.97 (>=0.6, sensitivity 0.72 and precision 0.9)]. The same nucleotide change resulting in the same amino acid change has been previously reported to be associated with GNAS related disorder (ClinVar ID: VCV001065893 /PMID: 34614324). Therefore, this variant is classified as Likely pathogenic according to the recommendation of ACMG/AMP guideline.

Genetics of Obesity Study, University of Cambridge
Classification: Pathogenic for Pseudohypoparathyroidism type I A. Last evaluated: 2020-06-01. Review status: criteria provided, single submitter. Criteria: ACMG Guidelines, 2015. Collection method: research. Allele origin: germline. Affected: yes.

Literature cited by the submitters: PubMed 34614324 (cited by 3billion and Genetics of Obesity Study, University of Cambridge).